The following is an entry in ClinVar:

ClinVar aggregate classification (germline): Likely benign. Review status: criteria provided, multiple submitters, no conflicts (2 of 4 stars). 2 submissions from 2 submitters: Likely benign (2). Last evaluated 2026-09-01.

Submissions (2):

CeGaT Center for Human Genetics Tuebingen
Classification: Likely benign. Last evaluated: 2026-09-01. Review status: criteria provided, single submitter. Criteria: CeGaT Center For Human Genetics Tuebingen Variant Classification Criteria Version 2. Collection method: clinical testing. Allele origin: germline. Affected: yes. Observed: 5 variant alleles.
Comment: FMN2: BP4, BP7

Blueprint Genetics
Classification: Likely benign. Last evaluated: 2023-07-03. Review status: criteria provided, single submitter. Criteria: ACMG Guidelines, 2015. Collection method: clinical testing. Allele origin: germline.

NM_020066.5(FMN2):c.3165T>A (p.Pro1055=)

Gene: FMN2 (formin 2; plus strand). Cytogenetic location: 1q43.
Variant type: single nucleotide variant.
Coding change: c.3165T>A on transcript NM_020066.5 (MANE Select); coding-DNA position 3165, T replaced by A.
Protein change: p.Pro1055=; no amino-acid change (proline 1055 retained).
Molecular consequence: synonymous variant. On other transcripts: intron variant (1).
Genome position (GRCh38, 1-based): chr1:240,207,977, T>A. VCF-style: chr1-240207977-T-A. GRCh37 (hg19) VCF-style: chr1-240371277-T-A.
Other names: c.3177T>A, p.Pro1059= (NM_001305424.2); c.1986+19715T>A (NM_001348094.2).
Identifiers: ClinVar variation 4084396 (VCV004084396.9).